The following is an entry in ClinVar:

ClinVar aggregate classification (germline): Pathogenic. Review status: criteria provided, multiple submitters, no conflicts (2 of 4 stars). 3 submissions from 3 submitters: Pathogenic (3). Last evaluated 2023-09-05.

Conditions:
Hereditary cancer-predisposing syndrome. Also called: Hereditary Cancer Syndrome; Hereditary neoplastic syndrome; Neoplastic Syndromes, Hereditary; Tumor predisposition. Identifiers: Orphanet 140162, MedGen C0027672, MeSH D009386, MONDO:0015356.
Familial adenomatous polyposis 3. Also called: NTHL1-related attenuated familial adenomatous polyposis; NTHL1-Related Adenomatous Polyposis and Colorectal Cancer; NTHL1 Tumor Syndrome; NTHL1-associated polyposis. Identifiers: Orphanet 220460, Orphanet 454840, MedGen C4225157, MONDO:0014630, OMIM 616415.

Submissions (3):

Myriad Genetics, Inc.
Classification: Pathogenic for Familial adenomatous polyposis 3. Last evaluated: 2023-09-05. Review status: criteria provided, single submitter. Criteria: Myriad Autosomal Dominant, Autosomal Recessive and X-Linked Classification Criteria (2023). Collection method: clinical testing. Allele origin: unknown.
Comment: This variant is considered pathogenic. This variant creates a frameshift predicted to result in premature protein truncation.

Labcorp Genetics (formerly Invitae), Labcorp
Classification: Pathogenic. Last evaluated: 2023-01-26. Review status: criteria provided, single submitter. Criteria: Invitae Variant Classification Sherloc (09022015). Collection method: clinical testing. Allele origin: germline.
Comment: This sequence change creates a premature translational stop signal (p.Met151Ilefs*19) in the NTHL1 gene. It is expected to result in an absent or disrupted protein product. Loss-of-function variants in NTHL1 are known to be pathogenic (PMID: 25938944, 26559593). This variant is not present in population databases (gnomAD no frequency). This variant has not been reported in the literature in individuals affected with NTHL1-related conditions. ClinVar contains an entry for this variant (Variation ID: 1741266). For these reasons, this variant has been classified as Pathogenic.

Ambry Genetics
Classification: Pathogenic for Hereditary cancer-predisposing syndrome. Last evaluated: 2021-07-12. Review status: criteria provided, single submitter. Criteria: Ambry Variant Classification Scheme 2023. Collection method: clinical testing. Allele origin: germline.
Comment: The c.452dupT pathogenic mutation, located in coding exon 3 of the NTHL1 gene, results from a duplication of T at nucleotide position 452, causing a translational frameshift with a predicted alternate stop codon (p.M151Ifs*19). This variant is considered to be rare based on population cohorts in the Genome Aggregation Database (gnomAD). This alteration is expected to result in loss of function by premature protein truncation or nonsense-mediated mRNA decay. As such, this alteration is interpreted as a disease-causing mutation.

Literature cited by the submitters: PubMed 25938944 (cited by Labcorp Genetics (formerly Invitae), Labcorp); PubMed 26559593 (cited by Labcorp Genetics (formerly Invitae), Labcorp).

NM_002528.7(NTHL1):c.428dup (p.Met143fs)

Gene: NTHL1 (nth like DNA glycosylase 1; minus strand). Cytogenetic location: 16p13.3.
Variant type: Duplication.
Coding change: c.428dup on transcript NM_002528.7 (MANE Select); coding-DNA position 428, one base duplicated (T; older notation c.428dupT).
Protein change: p.Met143fs; shifts the reading frame from methionine 143.
Molecular consequence: frameshift variant. On other transcripts: intron variant (1).
Genome position (GRCh38, 1-based): chr16:2,044,727, A duplicated on the plus strand (T on the coding strand, the reverse complement: NTHL1 is on the minus strand). VCF-style (leftmost placement, unchanged base first): chr16-2044726-C-CA. GRCh37 (hg19) VCF-style: chr16-2094727-C-CA.
Other names: c.98dup, p.Met33fs (NM_001318194.2); c.355-1001dup (NM_001318193.2); short protein forms M33fs, M143fs.
Identifiers: ClinVar variation 1741266 (VCV001741266.6), dbSNP rs2548316318, ClinGen allele CA2580090596.